The following is an entry in ClinVar:

ClinVar aggregate classification (germline): Pathogenic (1 of 4 stars; one submission).

Conditions:
Hereditary cancer-predisposing syndrome. Also called: Tumor predisposition; Neoplastic Syndromes, Hereditary; Hereditary Cancer Syndrome; Hereditary neoplastic syndrome. Identifiers: Orphanet 140162, MedGen C0027672, MeSH D009386, MONDO:0015356.

Submission:

Ambry Genetics
Classification: Pathogenic for Hereditary cancer-predisposing syndrome. Last evaluated: 2019-12-31. Review status: criteria provided, single submitter. Criteria: Ambry Variant Classification Scheme 2023. Collection method: clinical testing. Allele origin: germline.
Comment: The p.K1057* pathogenic mutation (also known as c.3169A>T), located in coding exon 21 of the ATM gene, results from an A to T substitution at nucleotide position 3169. This changes the amino acid from a lysine to a stop codon within coding exon 21. This alteration is expected to result in loss of function by premature protein truncation or nonsense-mediated mRNA decay. As such, this alteration is interpreted as a disease-causing mutation.

NM_000051.4(ATM):c.3169A>T (p.Lys1057Ter)

Gene: ATM (ATM serine/threonine kinase; plus strand). Cytogenetic location: 11q22.3.
Variant type: single nucleotide variant.
Coding change: c.3169A>T on transcript NM_000051.4 (MANE Select); coding-DNA position 3169, A replaced by T.
Protein change: p.Lys1057Ter; replaces lysine 1057 with a stop codon.
Molecular consequence: nonsense.
Genome position (GRCh38, 1-based): chr11:108,272,737, A>T. VCF-style: chr11-108272737-A-T. GRCh37 (hg19) VCF-style: chr11-108143464-A-T.
Other names: c.3169A>T, p.Lys1057Ter (NM_001351834.2); short protein forms K1057*.
Identifiers: ClinVar variation 1728394 (VCV001728394.2), dbSNP rs2135570125, ClinGen allele CA382515562.